The following is an entry in ClinVar:

ClinVar aggregate classification (germline): Benign/Likely benign. Review status: criteria provided, multiple submitters, no conflicts (2 of 4 stars). 3 submissions from 3 submitters: Benign (1); Likely benign (2). Last evaluated 2026-06-24.

Conditions:
Retinoblastoma (RB1). Also called: RETINOBLASTOMA, SOMATIC. Identifiers: Orphanet 790, MedGen C0035335, MeSH D012175, MONDO:0008380, OMIM 180200, HP:0009919. Disease mechanism: loss of function. Inheritance: Both sporadic and heritable forms are tested..
Hereditary cancer-predisposing syndrome. Also called: Neoplastic Syndromes, Hereditary; Tumor predisposition; Hereditary Cancer Syndrome; Hereditary neoplastic syndrome. Identifiers: Orphanet 140162, MedGen C0027672, MeSH D009386, MONDO:0015356.

Submissions (3):

Myriad Genetics, Inc.
Classification: Benign for Retinoblastoma. Last evaluated: 2026-06-24. Review status: criteria provided, single submitter. Criteria: Myriad Autosomal Dominant, Autosomal Recessive and X-Linked Classification Criteria (2023). Collection method: clinical testing. Allele origin: unknown.
Comment: This variant is considered benign. This variant is a silent/synonymous amino acid change and it is not expected to impact splicing.

Color Diagnostics, LLC DBA Color Health
Classification: Likely benign for Retinoblastoma. Last evaluated: 2025-06-09. Review status: criteria provided, single submitter. Criteria: ACMG Guidelines, 2015. Collection method: clinical testing. Allele origin: germline.

Ambry Genetics
Classification: Likely benign for Hereditary cancer-predisposing syndrome. Last evaluated: 2022-11-03. Review status: criteria provided, single submitter. Criteria: Ambry Variant Classification Scheme 2023. Collection method: clinical testing. Allele origin: germline.

NM_000321.3(RB1):c.945A>G (p.Glu315=)

Gene: RB1 (RB transcriptional corepressor 1; plus strand). Cytogenetic location: 13q14.2.
Variant type: single nucleotide variant.
Coding change: c.945A>G on transcript NM_000321.3 (MANE Select); coding-DNA position 945, A replaced by G.
Protein change: p.Glu315=; no amino-acid change (glutamic acid 315 retained).
Molecular consequence: synonymous variant.
Genome position (GRCh38, 1-based): chr13:48,367,499, A>G. VCF-style: chr13-48367499-A-G. GRCh37 (hg19) VCF-style: chr13-48941635-A-G.
Other names: c.945A>G, p.Glu315= (NM_001407165.1, NM_001407166.1).
Identifiers: ClinVar variation 3231254 (VCV003231254.3), dbSNP rs2542188344, ClinGen allele CA483558119.